The following is an entry in ClinVar:

NM_017654.4(SAMD9):c.4022C>T (p.Ala1341Val)

Gene: SAMD9 (sterile alpha motif domain containing 9; minus strand). Cytogenetic location: 7q21.2.
Variant type: single nucleotide variant.
Coding change: c.4022C>T on transcript NM_017654.4 (MANE Select); coding-DNA position 4022, C replaced by T.
Protein change: p.Ala1341Val; replaces alanine 1341 with valine.
Molecular consequence: missense variant.
Genome position (GRCh38, 1-based): chr7:93,102,076, G>A on the plus strand (C>T on the coding strand, the complement: SAMD9 is on the minus strand). VCF-style: chr7-93102076-G-A. GRCh37 (hg19) VCF-style: chr7-92731389-G-A.
Other names: c.4022C>T, p.Ala1341Val (NM_001193307.2); short protein forms A1341V.
Identifiers: ClinVar variation 3949600 (VCV003949600.1).
Genomic context (GRCh38, chr7:93,102,076, plus strand): 5'-GTGCTTATAGCATCCTCTTGACTTTTGATAAGATATTCCAAGAGCCCAGAAAACTTGTCT[G>A]CTTTTAAAGCTACTAGGTTTCTCCTGCATCTCTCTACTTGAAGTGGCTCACTGAACTTTG-3'
Protein context (NP_060124.2, residues 1331-1351): RCRRNLVALK[Ala1341Val]DKFSGLLEYL

ClinVar aggregate classification (germline): Uncertain significance (1 of 4 stars; one submission).

Conditions:
Inborn genetic diseases. Identifiers: MedGen C0950123, MeSH D030342.

Submission:

Ambry Genetics
Classification: Uncertain significance for Inborn genetic diseases. Last evaluated: 2025-05-01. Review status: criteria provided, single submitter. Criteria: Ambry Variant Classification Scheme 2023. Collection method: clinical testing. Allele origin: germline.
Comment: The p.A1341V variant (also known as c.4022C>T), located in coding exon 1 of the SAMD9 gene, results from a C to T substitution at nucleotide position 4022. The alanine at codon 1341 is replaced by valine, an amino acid with similar properties. This amino acid position is conserved. In addition, this alteration is predicted to be tolerated by in silico analysis. Based on the available evidence, the clinical significance of this variant remains unclear.